The following is an entry in ClinVar:

ClinVar aggregate classification (germline): Pathogenic (1 of 4 stars; one submission).

Conditions:
Maple syrup urine disease (MSUD). Identifiers: Orphanet 511, MedGen C0024776, MeSH D008375, MONDO:0009563. Disease mechanism: loss of function.

Submission:

Labcorp Genetics (formerly Invitae), Labcorp
Classification: Pathogenic for Maple syrup urine disease. Last evaluated: 2023-09-21. Review status: criteria provided, single submitter. Criteria: Invitae Variant Classification Sherloc (09022015). Collection method: clinical testing. Allele origin: germline.
Comment: For these reasons, this variant has been classified as Pathogenic. This sequence change creates a premature translational stop signal (p.Phe132Leufs*98) in the BCKDHB gene. It is expected to result in an absent or disrupted protein product. Loss-of-function variants in BCKDHB are known to be pathogenic (PMID: 16786533, 22593002). This variant is present in population databases (no rsID available, gnomAD 0.002%). This variant has not been reported in the literature in individuals affected with BCKDHB-related conditions. ClinVar contains an entry for this variant (Variation ID: 1072640).

Literature cited by the submitters: PubMed 16786533; PubMed 22593002.

NM_183050.4(BCKDHB):c.396del (p.Phe132fs)

Gene: BCKDHB (branched chain keto acid dehydrogenase E1 subunit beta; plus strand). Cytogenetic location: 6q14.1.
Variant type: Deletion.
Coding change: c.396del on transcript NM_183050.4 (MANE Select); coding-DNA position 396, one base deleted (T; older notation c.396delT).
Protein change: p.Phe132fs; shifts the reading frame from phenylalanine 132.
Molecular consequence: frameshift variant. On other transcripts: non-coding transcript variant (1).
Genome position (GRCh38, 1-based): chr6:80,167,730, T deleted; the last of 3 consecutive T bases (chr6:80,167,728-80,167,730); deleting any one gives the same sequence. VCF-style (leftmost placement, unchanged base first): chr6-80167727-AT-A. GRCh37 (hg19) VCF-style: chr6-80877444-AT-A.
Other names: c.396del, p.Phe132fs (NM_000056.5); c.186del, p.Phe62fs (NM_001318975.1); short protein forms F132fs, F62fs.
Identifiers: ClinVar variation 1072640 (VCV001072640.8), dbSNP rs1562102740, ClinGen allele CA568406720.